The following is an entry in ClinVar:

ClinVar aggregate classification (germline): Uncertain significance (1 of 4 stars; one submission).

Allele frequency attached by ClinVar (database versions not stated): gnomAD exomes below 0.00001 and 0.00001; ExAC 0.00001; gnomAD 0.00001; TOPMed 0.00001.
gnomAD v4.1: 12 of 1,613,932 alleles (0.00074%); highest among the groups gnomAD compares: Non-Finnish European, 0.001%; no homozygotes.

Submission:

Labcorp Genetics (formerly Invitae), Labcorp
Classification: Uncertain significance. Last evaluated: 2021-11-11. Review status: criteria provided, single submitter. Criteria: Invitae Variant Classification Sherloc (09022015). Collection method: clinical testing. Allele origin: germline.
Comment: This sequence change replaces isoleucine, which is neutral and non-polar, with valine, which is neutral and non-polar, at codon 176 of the ROR1 protein (p.Ile176Val). In summary, the available evidence is currently insufficient to determine the role of this variant in disease. Therefore, it has been classified as a Variant of Uncertain Significance. Algorithms developed to predict the effect of missense changes on protein structure and function are either unavailable or do not agree on the potential impact of this missense change (SIFT: "Tolerated"; PolyPhen-2: "Probably Damaging"; Align-GVGD: "Class C0"). This variant has not been reported in the literature in individuals affected with ROR1-related conditions. This variant is present in population databases (rs781314810, gnomAD 0.002%).

NM_005012.4(ROR1):c.526A>G (p.Ile176Val)

Gene: ROR1 (receptor tyrosine kinase like orphan receptor 1; plus strand). Cytogenetic location: 1p31.3.
Variant type: single nucleotide variant.
Coding change: c.526A>G on transcript NM_005012.4 (MANE Select); coding-DNA position 526, A replaced by G.
Protein change: p.Ile176Val; replaces isoleucine 176 with valine.
Molecular consequence: missense variant.
Genome position (GRCh38, 1-based): chr1:64,137,412, A>G. VCF-style: chr1-64137412-A-G. GRCh37 (hg19) VCF-style: chr1-64603095-A-G.
Other names: c.526A>G, p.Ile176Val (NM_001083592.2); short protein forms I176V.
Identifiers: ClinVar variation 1512838 (VCV001512838.6), dbSNP rs781314810, ClinGen allele CA890096.
Genomic context (GRCh38, chr1:64,137,412, plus strand): 5'-TCTATGCTTTCTTTCAGAGATGAGTATGAAGAAGATGGATTCTGTCAGCCATACAGAGGG[A>G]TTGCATGTGCAAGATTTATTGGCAACCGCACCGTCTATATGGAGTCTTTGCACATGCAAG-3'
Protein context (NP_005003.2, residues 166-186): EDGFCQPYRG[Ile176Val]ACARFIGNRT